The following is an entry in ClinVar:

NM_001378418.1(TCF20):c.4468A>G (p.Ile1490Val)

Gene: TCF20 (transcription factor 20; minus strand). Cytogenetic location: 22q13.2.
Variant type: single nucleotide variant.
Coding change: c.4468A>G on transcript NM_001378418.1 (MANE Select); coding-DNA position 4468, A replaced by G.
Protein change: p.Ile1490Val; replaces isoleucine 1490 with valine.
Molecular consequence: missense variant.
Genome position (GRCh38, 1-based): chr22:42,210,838, T>C on the plus strand (A>G on the coding strand, the complement: TCF20 is on the minus strand). VCF-style: chr22-42210838-T-C. GRCh37 (hg19) VCF-style: chr22-42606844-T-C.
Other names: c.4468A>G, p.Ile1490Val (NM_005650.4, NM_181492.3); short protein forms I1490V.
Identifiers: ClinVar variation 1678686 (VCV001678686.2), dbSNP rs761145899, ClinGen allele CA10266638.

ClinVar aggregate classification (germline): Uncertain significance (1 of 4 stars; one submission).

Allele frequency attached by ClinVar (database versions not stated): gnomAD exomes below 0.00001; ExAC 0.00001.
gnomAD v4.1: 1 of 1,614,190 alleles (0.000062%); highest among the groups gnomAD compares: Admixed American, 0.0017%; no homozygotes.

Submission:

GeneDx
Classification: Uncertain significance. Last evaluated: 2021-10-21. Review status: criteria provided, single submitter. Criteria: GeneDx Variant Classification Process June 2021. Collection method: clinical testing. Allele origin: germline. Affected: yes.
Comment: In silico analysis supports that this missense variant does not alter protein structure/function; Has not been previously published as pathogenic or benign to our knowledge; This variant is associated with the following publications: (PMID: 30739909)